The following is an entry in ClinVar:

ClinVar aggregate classification (germline): Uncertain significance (1 of 4 stars; one submission).

Conditions:
Fanconi anemia (FA). Also called: Fanconi's anemia. Identifiers: Orphanet 84, MedGen C0015625, MeSH D005199, MONDO:0019391.

Submission:

Labcorp Genetics (formerly Invitae), Labcorp
Classification: Uncertain significance for Fanconi anemia. Last evaluated: 2023-04-10. Review status: criteria provided, single submitter. Criteria: Invitae Variant Classification Sherloc (09022015). Collection method: clinical testing. Allele origin: germline.
Comment: Advanced modeling of protein sequence and biophysical properties (such as structural, functional, and spatial information, amino acid conservation, physicochemical variation, residue mobility, and thermodynamic stability) performed at Invitae indicates that this missense variant is not expected to disrupt FANCA protein function. This variant has not been reported in the literature in individuals affected with FANCA-related conditions. This variant is not present in population databases (gnomAD no frequency). This sequence change replaces alanine, which is neutral and non-polar, with serine, which is neutral and polar, at codon 602 of the FANCA protein (p.Ala602Ser). In summary, the available evidence is currently insufficient to determine the role of this variant in disease. Therefore, it has been classified as a Variant of Uncertain Significance.

NM_000135.4(FANCA):c.1804G>T (p.Ala602Ser)

Gene: FANCA (FA complementation group A; minus strand). Cytogenetic location: 16q24.3.
Variant type: single nucleotide variant.
Coding change: c.1804G>T on transcript NM_000135.4 (MANE Select); coding-DNA position 1804, G replaced by T.
Protein change: p.Ala602Ser; replaces alanine 602 with serine.
Molecular consequence: missense variant.
Genome position (GRCh38, 1-based): chr16:89,778,823, C>A on the plus strand (G>T on the coding strand, the complement: FANCA is on the minus strand). VCF-style: chr16-89778823-C-A. GRCh37 (hg19) VCF-style: chr16-89845231-C-A.
Other names: c.1804G>T, p.Ala602Ser (NM_001286167.3); short protein forms A602S.
Identifiers: ClinVar variation 2854857 (VCV002854857.3), dbSNP rs2544226405, ClinGen allele CA397454462.
Genomic context (GRCh38, chr16:89,778,823, plus strand): 5'-CTGGAAGTAGTCATCCCCTTCTAACCGTTGCTGCATACCTCTTCAGAGACTCTATAAACG[C>A]CACACGGGAGTCAGGGACTTTGGGGAGCTGTGGGAAGAGAAGAGACCTGTGAGAGACTGA-3'
Protein context (NP_000126.2, residues 592-612): VLPKVPDSRV[Ala602Ser]FIESLKRADK